The following is an entry in ClinVar:

ClinVar aggregate classification (germline): Uncertain significance (1 of 4 stars; one submission).

Conditions:
Hereditary cancer-predisposing syndrome. Also called: Hereditary Cancer Syndrome; Hereditary neoplastic syndrome; Neoplastic Syndromes, Hereditary; Tumor predisposition. Identifiers: Orphanet 140162, MedGen C0027672, MeSH D009386, MONDO:0015356.

Allele frequency attached by ClinVar (database versions not stated): gnomAD exomes below 0.00001.
gnomAD v4.1: 3 of 1,614,168 alleles (0.00019%); highest among the groups gnomAD compares: Non-Finnish European, 0.00025%; no homozygotes.

Submission:

Ambry Genetics
Classification: Uncertain significance for Hereditary cancer-predisposing syndrome. Last evaluated: 2021-12-29. Review status: criteria provided, single submitter. Criteria: Ambry Variant Classification Scheme 2023. Collection method: clinical testing. Allele origin: germline.
Comment: The p.D156Y variant (also known as c.466G>T), located in coding exon 2 of the BLM gene, results from a G to T substitution at nucleotide position 466. The aspartic acid at codon 156 is replaced by tyrosine, an amino acid with highly dissimilar properties. This amino acid position is conserved. In addition, this alteration is predicted to be deleterious by in silico analysis. Since supporting evidence is limited at this time, the clinical significance of this alteration remains unclear.

NM_000057.4(BLM):c.466G>T (p.Asp156Tyr)

Gene: BLM (BLM RecQ like helicase; plus strand). Cytogenetic location: 15q26.1.
Variant type: single nucleotide variant.
Coding change: c.466G>T on transcript NM_000057.4 (MANE Select); coding-DNA position 466, G replaced by T.
Protein change: p.Asp156Tyr; replaces aspartic acid 156 with tyrosine.
Molecular consequence: missense variant. On other transcripts: 5 prime UTR variant (1).
Genome position (GRCh38, 1-based): chr15:90,749,734, G>T. VCF-style: chr15-90749734-G-T. GRCh37 (hg19) VCF-style: chr15-91292964-G-T.
Other names: c.466G>T, p.Asp156Tyr (NM_001287246.2, NM_001287247.2); c.-826G>T (NM_001287248.2); short protein forms D156Y.
Identifiers: ClinVar variation 1742313 (VCV001742313.2), dbSNP rs2505392642, ClinGen allele CA393840843.